The following is an entry in ClinVar:

ClinVar aggregate classification (germline): Uncertain significance (1 of 4 stars; one submission).

gnomAD v4.1: 8 of 1,614,242 alleles (0.0005%); highest among the groups gnomAD compares: Non-Finnish European, 0.00068%; no homozygotes.

Submission:

Labcorp Genetics (formerly Invitae), Labcorp
Classification: Uncertain significance. Last evaluated: 2022-03-09. Review status: criteria provided, single submitter. Criteria: Invitae Variant Classification Sherloc (09022015). Collection method: clinical testing. Allele origin: germline.
Comment: This sequence change replaces glutamic acid, which is acidic and polar, with glycine, which is neutral and non-polar, at codon 482 of the LRIT3 protein (p.Glu482Gly). This variant has not been reported in the literature in individuals affected with LRIT3-related conditions. This variant is not present in population databases (gnomAD no frequency). In summary, the available evidence is currently insufficient to determine the role of this variant in disease. Therefore, it has been classified as a Variant of Uncertain Significance. Algorithms developed to predict the effect of missense changes on protein structure and function output the following: SIFT: "Tolerated"; PolyPhen-2: "Possibly Damaging"; Align-GVGD: "Class C0". The glycine amino acid residue is found in multiple mammalian species, which suggests that this missense change does not adversely affect protein function.

NM_198506.5(LRIT3):c.1445A>G (p.Glu482Gly)

Gene: LRIT3 (leucine rich repeat, Ig-like and transmembrane domains 3; plus strand). Cytogenetic location: 4q25.
Variant type: single nucleotide variant.
Coding change: c.1445A>G on transcript NM_198506.5 (MANE Select); coding-DNA position 1445, A replaced by G.
Protein change: p.Glu482Gly; replaces glutamic acid 482 with glycine.
Molecular consequence: missense variant.
Genome position (GRCh38, 1-based): chr4:109,870,194, A>G. VCF-style: chr4-109870194-A-G. GRCh37 (hg19) VCF-style: chr4-110791350-A-G.
Other names: short protein forms E482G.
Identifiers: ClinVar variation 1922217 (VCV001922217.5), dbSNP rs75722024, ClinGen allele CA357871303.